The following is an entry in ClinVar:

ClinVar aggregate classification (germline): Uncertain significance. Review status: criteria provided, multiple submitters, no conflicts (2 of 4 stars). 2 submissions from 2 submitters: Uncertain significance (2). Last evaluated 2019-11-27.

Conditions:
Charcot-Marie-Tooth disease type 4A. Also called: Charcot-Marie-Tooth disease, demyelinating, autosomal recessive, type 4a. Identifiers: Orphanet 99948, MedGen C1859198, MONDO:0008961, OMIM 214400.

Allele frequency attached by ClinVar (database versions not stated): gnomAD exomes below 0.00001 and 0.00001.

Submissions (2):

Labcorp Genetics (formerly Invitae), Labcorp
Classification: Uncertain significance for Charcot-Marie-Tooth disease type 4A. Last evaluated: 2019-11-27. Review status: criteria provided, single submitter. Criteria: Invitae Variant Classification Sherloc (09022015). Collection method: clinical testing. Allele origin: germline.
Comment: In summary, the available evidence is currently insufficient to determine the role of this variant in disease. Therefore, it has been classified as a Variant of Uncertain Significance. Algorithms developed to predict the effect of missense changes on protein structure and function are either unavailable or do not agree on the potential impact of this missense change (SIFT: "Tolerated"; PolyPhen-2: "Possibly Damaging"; Align-GVGD: "Class C0"). This variant has not been reported in the literature in individuals with GDAP1-related conditions. ClinVar contains an entry for this variant (Variation ID: 246290). This variant is not present in population databases (ExAC no frequency). This sequence change replaces leucine with phenylalanine at codon 329 of the GDAP1 protein (p.Leu329Phe). The leucine residue is highly conserved and there is a small physicochemical difference between leucine and phenylalanine.

GeneDx
Classification: Uncertain significance. Last evaluated: 2016-01-11. Review status: criteria provided, single submitter. Criteria: GeneDx Variant Classification (06012015). Collection method: clinical testing. Allele origin: germline. Affected: yes.
Comment: The L329F variant has not been published as a pathogenic variant, nor has it been reported as a benign variant to our knowledge. It was not observed in approximately 6,500 individuals of European and African American ancestry in the NHLBI Exome Sequencing Project, indicating it is not a common benign variant in these populations. This substitution occurs at a position that is conserved across species. In silico analysis predicts this variant is probably damaging to the protein structure/function. However, the L329F variant is a conservative amino acid substitution, which is not likely to impact secondary protein structure as these residues share similar properties. Therefore, based on the currently available information, it is unclear whether this variant is a pathogenic variant or a rare benign variant.

NM_018972.4(GDAP1):c.985C>T (p.Leu329Phe)

Gene: GDAP1 (ganglioside induced differentiation associated protein 1; plus strand). Cytogenetic location: 8q21.11.
Variant type: single nucleotide variant.
Coding change: c.985C>T on transcript NM_018972.4 (MANE Select); coding-DNA position 985, C replaced by T.
Protein change: p.Leu329Phe; replaces leucine 329 with phenylalanine.
Molecular consequence: missense variant. On other transcripts: intron variant (1).
Genome position (GRCh38, 1-based): chr8:74,364,275, C>T. VCF-style: chr8-74364275-C-T. GRCh37 (hg19) VCF-style: chr8-75276510-C-T.
Other names: c.781C>T, p.Leu261Phe (NM_001040875.4); c.658C>T, p.Leu220Phe (NM_001362929.2, NM_001362932.2); c.811C>T, p.Leu271Phe (NM_001362930.2); c.694+1222C>T (NM_001362931.2); short protein forms L329F, L220F, L261F, L271F.
Identifiers: ClinVar variation 246290 (VCV000246290.11), dbSNP rs879254196, ClinGen allele CA10584295.